The following is an entry in ClinVar:

ClinVar aggregate classification (germline): Uncertain significance (1 of 4 stars; one submission).

Conditions:
Intellectual disability, autosomal recessive 53 (NEDHSCA). Also called: NEURODEVELOPMENTAL DISORDER WITH OR WITHOUT HYPOTONIA, SEIZURES, AND CEREBELLAR ATROPHY; GLYCOSYLPHOSPHATIDYLINOSITOL BIOSYNTHESIS DEFECT 13; Mental retardation, autosomal recessive 53. Identifiers: Orphanet 488635, MedGen C4310794, MONDO:0014832, OMIM 616917.

Submission:

Labcorp Genetics (formerly Invitae), Labcorp
Classification: Uncertain significance for Intellectual disability, autosomal recessive 53. Last evaluated: 2019-09-20. Review status: criteria provided, single submitter. Criteria: Invitae Variant Classification Sherloc (09022015). Collection method: clinical testing. Allele origin: germline.
Comment: In summary, the available evidence is currently insufficient to determine the role of this variant in disease. Therefore, it has been classified as a Variant of Uncertain Significance. Algorithms developed to predict the effect of missense changes on protein structure and function are either unavailable or do not agree on the potential impact of this missense change (SIFT: "Tolerated"; PolyPhen-2: "Probably Damaging"; Align-GVGD: "Class C0"). This variant has not been reported in the literature in individuals with PIGG-related conditions. This variant is not present in population databases (ExAC no frequency). This sequence change replaces glutamic acid with aspartic acid at codon 958 of the PIGG protein (p.Glu958Asp). The glutamic acid residue is moderately conserved and there is a small physicochemical difference between glutamic acid and aspartic acid.

NM_001127178.3(PIGG):c.2874G>C (p.Glu958Asp)

Gene: PIGG (phosphatidylinositol glycan anchor biosynthesis class G (EMM blood group); plus strand). Cytogenetic location: 4p16.3.
Variant type: single nucleotide variant.
Coding change: c.2874G>C on transcript NM_001127178.3 (MANE Select); coding-DNA position 2874, G replaced by C.
Protein change: p.Glu958Asp; replaces glutamic acid 958 with aspartic acid.
Molecular consequence: missense variant. On other transcripts: non-coding transcript variant (10).
Genome position (GRCh38, 1-based): chr4:539,291, G>C. VCF-style: chr4-539291-G-C. GRCh37 (hg19) VCF-style: chr4-533080-G-C.
Other names: c.2607G>C, p.Glu869Asp (NM_001289051.2, NM_001345986.2); c.2475G>C, p.Glu825Asp (NM_001289052.2); c.2583G>C, p.Glu861Asp (NM_001345987.2); c.1845G>C, p.Glu615Asp (NM_001345988.2); c.1341G>C, p.Glu447Asp (NM_001345990.2, NM_001345991.2); c.1776G>C, p.Glu592Asp (NM_001345994.2); c.2850G>C, p.Glu950Asp (NM_017733.5); short protein forms E592D, E825D, E950D, E958D, E615D, E861D, E447D, E869D.
Identifiers: ClinVar variation 958360 (VCV000958360.10), dbSNP rs760527742, ClinGen allele CA355914696.